The following is an entry in ClinVar:

NM_001197104.2(KMT2A):c.793C>T (p.Gln265Ter)

Gene: KMT2A (lysine methyltransferase 2A; plus strand). Cytogenetic location: 11q23.3.
Variant type: single nucleotide variant.
Coding change: c.793C>T on transcript NM_001197104.2 (MANE Select); coding-DNA position 793, C replaced by T.
Protein change: p.Gln265Ter; replaces glutamine 265 with a stop codon.
Molecular consequence: nonsense.
Genome position (GRCh38, 1-based): chr11:118,471,952, C>T. VCF-style: chr11-118471952-C-T. GRCh37 (hg19) VCF-style: chr11-118342667-C-T.
Other names: c.892C>T, p.Gln298Ter (NM_001412597.1); c.793C>T, p.Gln265Ter (NM_005933.4); short protein forms Q298*, Q265*.
Identifiers: ClinVar variation 2841037 (VCV002841037.3), dbSNP rs79405108, ClinGen allele CA382807910.

ClinVar aggregate classification (germline): Pathogenic (1 of 4 stars; one submission).

Submission:

Labcorp Genetics (formerly Invitae), Labcorp
Classification: Pathogenic. Last evaluated: 2023-02-26. Review status: criteria provided, single submitter. Criteria: Invitae Variant Classification Sherloc (09022015). Collection method: clinical testing. Allele origin: germline.
Comment: For these reasons, this variant has been classified as Pathogenic. This variant has not been reported in the literature in individuals affected with KMT2A-related conditions. This variant is not present in population databases (gnomAD no frequency). This sequence change creates a premature translational stop signal (p.Gln265*) in the KMT2A gene. It is expected to result in an absent or disrupted protein product. Loss-of-function variants in KMT2A are known to be pathogenic (PMID: 22795537, 25574841, 25810209, 28120103, 29574747, 31157197, 31337854).

Literature cited by the submitters: PubMed 22795537; PubMed 25574841; PubMed 25810209; PubMed 28120103; PubMed 29574747; PubMed 31157197; PubMed 31337854.